The following is an entry in ClinVar:

NM_017514.5(PLXNA3):c.410G>A (p.Arg137His)

Gene: PLXNA3 (plexin A3; plus strand). Cytogenetic location: Xq28.
Variant type: single nucleotide variant.
Coding change: c.410G>A on transcript NM_017514.5 (MANE Select); coding-DNA position 410, G replaced by A.
Protein change: p.Arg137His; replaces arginine 137 with histidine.
Molecular consequence: missense variant.
Genome position (GRCh38, 1-based): chrX:154,460,593, G>A. VCF-style: chrX-154460593-G-A. GRCh37 (hg19) VCF-style: chrX-153688933-G-A.
Other names: short protein forms R137H.
Identifiers: ClinVar variation 3351041 (VCV003351041.1).

ClinVar aggregate classification (germline): Uncertain significance (0 of 4 stars; one submission).

Conditions:
PLXNA3-related disorder. Also called: PLXNA3-related condition.

gnomAD v4.1: 12 of 1,201,938 alleles (0.001%); highest among the groups gnomAD compares: Non-Finnish European, 0.0011%; no homozygotes.

Submission:

PreventionGenetics, part of Exact Sciences
Classification: Uncertain significance for PLXNA3-related condition. Last evaluated: 2024-07-05. Review status: no assertion criteria provided. Collection method: clinical testing. Allele origin: germline.
Comment: The PLXNA3 c.410G>A variant is predicted to result in the amino acid substitution p.Arg137His. To our knowledge, this variant has not been reported in the literature or in a large population database, indicating this variant is rare. At this time, the clinical significance of this variant is uncertain due to the absence of conclusive functional and genetic evidence.